The following is an entry in ClinVar:

NM_016408.4(CDK5RAP1):c.1107+5G>A

Gene: CDK5RAP1 (CDK5 regulatory subunit associated protein 1; minus strand). Cytogenetic location: 20q11.21.
Variant type: single nucleotide variant.
Coding change: c.1107+5G>A on transcript NM_016408.4 (MANE Select); 5 bases into the intron after coding-DNA position 1107, G replaced by A.
Molecular consequence: intron variant.
Genome position (GRCh38, 1-based): chr20:33,379,456, C>T on the plus strand (G>A on the coding strand, the complement: CDK5RAP1 is on the minus strand). VCF-style: chr20-33379456-C-T. GRCh37 (hg19) VCF-style: chr20-31967262-C-T.
Other names: c.1026+5G>A (NM_001278169.1); c.1110+5G>A (NM_016082.4); c.1149+5G>A (NM_001365728.1); c.877-5244G>A (NM_001278168.2); c.1107+5G>A (NM_001278167.2).
Identifiers: ClinVar variation 929052 (VCV000929052.1), dbSNP rs759907757, ClinGen allele CA9816603.

ClinVar aggregate classification (germline): Uncertain significance (1 of 4 stars; one submission).

Allele frequency attached by ClinVar (database versions not stated): gnomAD exomes below 0.00001; TOPMed below 0.00001; ExAC 0.00001.
gnomAD v4.1: 2 of 1,592,302 alleles (0.00013%); highest among the groups gnomAD compares: Admixed American, 0.0017%; no homozygotes.

Submission:

Women's Health and Genetics/Laboratory Corporation of America, LabCorp
Classification: Uncertain significance. Last evaluated: 2019-06-18. Review status: criteria provided, single submitter. Criteria: LabCorp Variant Classification Summary - May 2015. Collection method: clinical testing. Allele origin: germline.
Comment: Variant summary: CDK5RAP1 c.1107+5G>A alters a non-conserved nucleotide located close to a canonical splice site and therefore could affect mRNA splicing, leading to a significantly altered protein sequence. Several computational tools predict the variant to either weaken, abolish or create a 5' donor site. However, these predictions have yet to be confirmed by functional studies. The variant allele was found at a frequency of 4e-06 in 250464 control chromosomes (gnomAD). The available data on variant occurrences in the general population are insufficient to allow any conclusion about variant significance. To our knowledge, no occurrence of c.1107+5G>A in individuals affected with CDK5RAP1 Related Disorders and no experimental evidence demonstrating its impact on protein function have been reported. No clinical diagnostic laboratories have submitted clinical-significance assessments for this variant to ClinVar after 2014. Based on the evidence outlined above, the variant was classified as uncertain significance.